The following is an entry in ClinVar:

NM_000261.2(MYOC):c.335A>G (p.Glu112Gly)

Gene: MYOC (myocilin; minus strand). Cytogenetic location: 1q24.3.
Variant type: single nucleotide variant.
Coding change: c.335A>G on transcript NM_000261.2 (MANE Select); coding-DNA position 335, A replaced by G.
Protein change: p.Glu112Gly; replaces glutamic acid 112 with glycine.
Molecular consequence: missense variant.
Genome position (GRCh38, 1-based): chr1:171,652,277, T>C on the plus strand (A>G on the coding strand, the complement: MYOC is on the minus strand). VCF-style: chr1-171652277-T-C. GRCh37 (hg19) VCF-style: chr1-171621417-T-C.
Other names: NM_000261.2(MYOC):c.335A>G; p.Glu112Gly; short protein forms E112G.
Identifiers: ClinVar variation 293719 (VCV000293719.7), dbSNP rs886045566, ClinGen allele CA10608378.

ClinVar aggregate classification (germline): Uncertain significance. Review status: reviewed by expert panel (3 of 4 stars). 3 submissions from 2 submitters: Uncertain significance (1). 2 of the submissions do not count toward it. Last evaluated 2025-10-08.

Conditions:
Open-angle glaucoma. Identifiers: MedGen C0017612, MONDO:0005338, HP:0012108.
Glaucoma 1, open angle, A (GLC1A). Also called: Glaucoma, Dominant (Juvenile Onset). Identifiers: Orphanet 98977, MedGen C1842028, MONDO:0007664, OMIM 137750.
Glaucoma. Identifiers: MedGen C0017601, MONDO:0005041, HP:0000501.

Allele frequency attached by ClinVar (database versions not stated): gnomAD exomes below 0.00001; TOPMed below 0.00001; gnomAD 0.00001.

Submissions (3):

ClinGen Glaucoma Variant Curation Expert Panel
Classification: Uncertain significance for Open-angle glaucoma. Last evaluated: 2025-10-08. Review status: reviewed by expert panel. Criteria: ClinGen Glaucoma ACMG Specifications V2.0.0 Approved. Collection method: curation. Allele origin: germline. Inheritance: Autosomal dominant inheritance.
Comment: The c.335A>G variant in MYOC is a missense variant predicted to cause substitution of Glutamic Acid by Glycine at amino acid 112 (p.Glu112Gly). The highest minor allele frequency of this variant was in the European (non-Finnish) genetic ancestry group of gnomAD (v4.1.0) = 0.000002543 (3 alleles out of 1,179,584), which met the ≤ 0.0001 threshold set for PM2_Supporting in a genetic ancestry group of at least 10,000 alleles. The REVEL score = 0.082, which was within the 0.017-0.183 range for BP4_Moderate, suggesting that the variant does not impact MYOC function. There was no functional evidence predicting a damaging or benign impact of this variant on MYOC function. This variant was identified in laboratory based testing, but has not yet been found in a proband with juvenile or primary open angle glaucoma. In summary, this variant met the criteria to receive a score of -1 and to be classified as a variant of uncertain significance (uncertain significance classification range -1 to 5, adapted from PMID: 32720330) for primary open angle glaucoma based on the ACMG/AMP criteria met, as specified by the ClinGen Glaucoma VCEP (v2.0.0, 5 Dec 2024): BP4_Moderate, PM2_Supporting

Illumina Laboratory Services, Illumina
Classification: Uncertain significance for Glaucoma 1, open angle, A. Last evaluated: 2018-01-12. Review status: criteria provided, single submitter. Criteria: ICSL Variant Classification Criteria 13 December 2019. Collection method: clinical testing. Allele origin: germline. Not counted in ClinVar's aggregate classification.

Illumina Laboratory Services, Illumina
Classification: Uncertain significance for Glaucoma. Last evaluated: 2018-01-12. Review status: criteria provided, single submitter. Criteria: ICSL Variant Classification Criteria 13 December 2019. Collection method: clinical testing. Allele origin: germline. Not counted in ClinVar's aggregate classification.